The following is an entry in ClinVar:

ClinVar aggregate classification (germline): Pathogenic. Review status: reviewed by expert panel (3 of 4 stars). 16 submissions from 16 submitters: Pathogenic (1). 15 of the submissions do not count toward it. Last evaluated 2019-06-18.

Conditions:
BRCA2-related disorder. Also called: BRCA2-related condition; BRCA2-related disorders. Identifiers: MedGen CN239275.
Hereditary cancer-predisposing syndrome. Also called: Neoplastic Syndromes, Hereditary; Hereditary neoplastic syndrome; Tumor predisposition; Hereditary Cancer Syndrome. Identifiers: Orphanet 140162, MedGen C0027672, MeSH D009386, MONDO:0015356.
Hereditary breast ovarian cancer syndrome. Also called: Hereditary breast and/or ovarian cancer syndrome; Breast and ovarian cancer; BRCA1- and BRCA2-Associated Hereditary Breast and Ovarian Cancer; Hereditary breast and ovarian cancer; Hereditary breast and ovarian cancer syndrome; Hereditary breast and ovarian cancer syndrome (HBOC). Identifiers: Orphanet 145, MedGen C0677776, MeSH D061325, MONDO:0003582. Disease mechanism: loss of function.
Breast-ovarian cancer, familial, susceptibility to, 2 (BROVCA2). Also called: BRCA2 Hereditary Breast and Ovarian Cancer. Identifiers: Orphanet 145, MedGen C2675520, MONDO:0012933, OMIM 612555. Disease mechanism: loss of function.
Familial cancer of breast. Also called: BREAST CANCER, FAMILIAL; Hereditary breast cancer; hereditary breast carcinoma. Identifiers: Orphanet 227535, MedGen C0346153, MONDO:0016419, OMIM 114480. Disease mechanism: loss of function.

Allele frequency attached by ClinVar (database versions not stated): gnomAD exomes below 0.00001.
gnomAD v4.1: 1 of 1,614,156 alleles (0.000062%); highest among the groups gnomAD compares: Non-Finnish European, 0.000085%; no homozygotes.

Submissions 1 to 6 of 16:

Evidence-based Network for the Interpretation of Germline Mutant Alleles (ENIGMA)
Classification: Pathogenic for Breast-ovarian cancer, familial, susceptibility to, 2. Last evaluated: 2019-06-18. Review status: reviewed by expert panel. Criteria: ENIGMA BRCA1/2 Classification Criteria (2017-06-29). Collection method: curation. Allele origin: germline.
Comment: IARC class based on posterior probability from multifactorial likelihood analysis, thresholds for class as per Plon et al. 2008 (PMID: 18951446). Class 5 based on posterior probability = 0.999975

GeneKor MSA
Classification: Pathogenic for Hereditary breast ovarian cancer syndrome. Last evaluated: 2025-06-02. Review status: criteria provided, single submitter. Criteria: ACMG Guidelines, 2015. Collection method: clinical testing. Allele origin: germline. Affected: yes. Not counted in ClinVar's aggregate classification.
Comment: This sequence change replaces arginine with glycine at codon 2659 of the BRCA2 protein, p.(Arg2659Gly). RNA analysis indicates that this missense change induces altered splicing and likely results in a shortened protein product. This variant is not present in population databases (rs80359026, gnomAD no frequency). This missense change has been observed in individual(s) with breast and/or ovarian cancer (PMID:21120943, 27553368, 29335924, 29752822, 30254663). The mutation database Clinvar contains entries for this variant where it is listed as pathogenic (VCV000038130.26). Experimental studies have shown that this missense change affects BRCA2 function (PMID:15695382, 23108138, 29884841). Based on the classification criteria set by the ACMG and AMP (PMID:25741868) this variant has been classified as pathogenic. patient are tested for the above mutation.

Labcorp Genetics (formerly Invitae), Labcorp
Classification: Pathogenic for Hereditary breast ovarian cancer syndrome. Last evaluated: 2024-07-15. Review status: criteria provided, single submitter. Criteria: Invitae Variant Classification Sherloc (09022015). Collection method: clinical testing. Allele origin: germline. Not counted in ClinVar's aggregate classification.
Comment: This sequence change replaces arginine, which is basic and polar, with glycine, which is neutral and non-polar, at codon 2659 of the BRCA2 protein (p.Arg2659Gly). RNA analysis indicates that this missense change induces altered splicing and likely results in a shortened protein product. This variant is not present in population databases (gnomAD no frequency). This missense change has been observed in individual(s) with breast and/or ovarian cancer (PMID: 21120943, 27553368, 29335924, 29752822, 30254663). This variant is also known as 8204G>A. ClinVar contains an entry for this variant (Variation ID: 38130). Based on a multifactorial likelihood algorithm using genetic, in silico, and/or statistical data, this variant has been determined to have a high probability of being pathogenic (PMID: 31131967). Experimental studies have shown that this missense change affects BRCA2 function (PMID: 15695382, 23108138, 29884841). Studies have shown that this missense change results in skipping of exon 17, but is expected to preserve the integrity of the reading-frame (PMID: 12624152, 22505045, 28339459). For these reasons, this variant has been classified as Pathogenic.

Quest Diagnostics Nichols Institute San Juan Capistrano
Classification: Pathogenic. Last evaluated: 2023-10-09. Review status: criteria provided, single submitter. Criteria: Quest Diagnostics criteria. Collection method: clinical testing. Allele origin: unknown. Not counted in ClinVar's aggregate classification.
Comment: The BRCA2 c.7975A>G (p.Arg2659Gly) variant has been reported in the published literature in affected individuals with breast and/or ovarian cancer, as well as other BRCA2 related cancers (PMIDs: 27553368 (2016), 29335924 (2018), 29752822 (2018), and 34597585 (2021)). Functional studies demonstrated that this variant resulted in partial in frame skipping of exon 17 (PMIDs: 21120943 (2011) and 28339459 (2017)), as well as reduced activity in a homology-directed DNA repair (HDR) assay (PMID: 24323938 (2014)). A multifactorial analysis considered this variant to have a high probability of pathogenicity (PMID: 31131967 (2019)). This variant has not been reported in large, multi-ethnic general populations (Genome Aggregation Database). Analysis of this variant using bioinformatics tools for the prediction of the effect of amino acid changes on protein structure and function yielded predictions that this variant is damaging. Based on the available information, this variant is classified as pathogenic.

GeneDx
Classification: Pathogenic. Last evaluated: 2023-08-21. Review status: criteria provided, single submitter. Criteria: GeneDx Variant Classification Process June 2021. Collection method: clinical testing. Allele origin: germline. Affected: yes. Not counted in ClinVar's aggregate classification.
Comment: Observed in individuals with a personal and/or family history consistent with Hereditary Breast and Ovarian Cancer, and has been found to segregate with disease in multiple affected individuals (Pinto et al., 2016; Apessos et al., 2018; Jakimovska et al., 2018; Zuntini et al., 2018; Li et al., 2019; Parsons et al., 2019; Barbosa et al., 2020; Huang et al., 2020; Gao et al., 2020; Caputo et al., 2021); Protein-based functional studies demonstrate a damaging effect: impaired homology-directed repair activity and sensitivity to PARP inhibitors (Guidugli et al., 2018; Hart et al., 2019; Ikegami et al., 2020; Iversen et al., 2022); Splicing functional studies are inconclusive demonstrating 3% - 26% abnormal transcript (Davy et al., 2017; Fraile-Bethencourt et al., 2017); In silico analysis supports that this missense variant does not alter protein structure/function; Not observed in large population cohorts (gnomAD); In silico analysis supports a deleterious effect on splicing; Also known as 8203A>G; This variant is associated with the following publications: (PMID: 23108138, 24323938, 25348012, 21523855, 19043619, 21120943, 28339459, 22505045, 27553368, 27060066, 28905878, 29335924, 29752822, 29310832, 32444794, 31131967, 30254663, 29394989, 33008098, 33194720, 29884841, 35665744, 12228710, 31825140, 34597585)

Color Diagnostics, LLC DBA Color Health
Classification: Pathogenic for Hereditary cancer-predisposing syndrome. Last evaluated: 2023-06-27. Review status: criteria provided, single submitter. Criteria: ACMG Guidelines, 2015. Collection method: clinical testing. Allele origin: germline. Not counted in ClinVar's aggregate classification.
Comment: This missense variant replaces arginine with glycine at codon 2659 of the BRCA2 protein. Computational prediction suggests that this variant may have deleterious impact on protein structure and function (internally defined REVEL score threshold >= 0.7, PMID: 27666373). Functional studies have shown that this variant impacts BRCA2 function in a homology-directed repair assay and increases sensitivity to PARP inhibitors in mammalian cells (PMID: 23108138, 29394989, 32444794). RNA studies using patient-derived RNA and minigene assays have shown this variant causes partial in-frame skipping of exon 17 (PMID: 22505045, 28339459, 28905878, 31191615). This variant has been reported in at least seven individuals affected with breast or ovarian cancer (PMID: 29335924, 29752822, 30254663, 32850417, 33008098, 33801055, 31131967, 34597585). This variant has been reported in two multifactorial analyses with segregation likelihood ratios for pathogenicity of 1950.0 and 1,114.89 (PMID: 31131967, 34597585). This variant has not been identified in the general population by the Genome Aggregation Database (gnomAD). Based on the available evidence, this variant is classified as Pathogenic.

NM_000059.4(BRCA2):c.7975A>G (p.Arg2659Gly)

Gene: BRCA2 (BRCA2 DNA repair associated; plus strand). Cytogenetic location: 13q13.1.
Variant type: single nucleotide variant.
Coding change: c.7975A>G on transcript NM_000059.4 (MANE Select); coding-DNA position 7975, A replaced by G.
Protein change: p.Arg2659Gly; replaces arginine 2659 with glycine.
Molecular consequence: missense variant.
Genome position (GRCh38, 1-based): chr13:32,362,692, A>G. VCF-style: chr13-32362692-A-G. GRCh37 (hg19) VCF-style: chr13-32936829-A-G.
Other names: 8203A>G; short protein forms R2659G.
Identifiers: ClinVar variation 38130 (VCV000038130.29), dbSNP rs80359026, ClinGen allele CA025362.